The following is an entry in ClinVar:

NM_002448.3(MSX1):c.655T>C (p.Trp219Arg)

Gene: MSX1 (msh homeobox 1; plus strand). Cytogenetic location: 4p16.2.
Variant type: single nucleotide variant.
Coding change: c.655T>C on transcript NM_002448.3 (MANE Select); coding-DNA position 655, T replaced by C.
Protein change: p.Trp219Arg; replaces tryptophan 219 with arginine.
Molecular consequence: missense variant.
Genome position (GRCh38, 1-based): chr4:4,862,886, T>C. VCF-style: chr4-4862886-T-C. GRCh37 (hg19) VCF-style: chr4-4864613-T-C.
Other names: short protein forms W219R.
Identifiers: ClinVar variation 2078308 (VCV002078308.7), dbSNP rs1737950162, ClinGen allele CA356138567.

ClinVar aggregate classification (germline): Conflicting classifications of pathogenicity. Review status: criteria provided, conflicting classifications (1 of 4 stars). 4 submissions from 4 submitters: Likely pathogenic (2); Uncertain significance (2). Last evaluated 2025-05-02.

Conditions:
Tooth agenesis, selective, 1. Also called: HYPODONTIA/OLIGODONTIA 1; SECOND PREMOLARS AND THIRD MOLARS, ABSENCE OF. Identifiers: Orphanet 99798, MedGen C3489529, MONDO:0007129, OMIM 106600. Disease mechanism: loss of function.
Hypoplastic enamel-onycholysis-hypohidrosis syndrome (TNS). Also called: WITKOP SYNDROME; ECTODERMAL DYSPLASIA 3, WITKOP TYPE; Tooth-and-Nail Syndrome; NAIL DYSPLASIA WITH HYPODONTIA; ECTODERMAL DYSPLASIA 3, TOOTH/NAIL TYPE. Identifiers: Orphanet 2228, MedGen C0406735, MONDO:0008582, OMIM 189500.
MSX1-related disorder. Also called: MSX1-related condition.

Allele frequency attached by ClinVar (database versions not stated): TOPMed below 0.00001.

Submissions (4):

PreventionGenetics, part of Exact Sciences
Classification: Likely pathogenic for MSX1-related condition. Last evaluated: 2025-05-02. Review status: criteria provided, single submitter. Criteria: ACMG Guidelines, 2015. Collection method: clinical testing. Allele origin: germline.
Comment: The MSX1 c.655T>C variant is predicted to result in the amino acid substitution p.Trp219Arg. This variant was reported to be paternally inherited in an individual with cleft lip and cleft palate and also had a similarly affected sister (Table S1 and S3, Elliott et al. 2022. PubMed ID: 35599849). At PreventionGenetics, we have observed the c.655T>C variant to segregate in family members with oligodontia (internal data). A different amino acid substitution at this position (c.657G>C, p.Trp219Cys) has also been reported in an individual with oligodontia (Keskin et al. 2022. PubMed ID: 33725141). This variant has not been reported in a large population database (gnomAD), indicating this variant is rare. This variant is interpreted as likely pathogenic.

GeneDx
Classification: Uncertain significance. Last evaluated: 2023-03-28. Review status: criteria provided, single submitter. Criteria: GeneDx Variant Classification Process June 2021. Collection method: clinical testing. Allele origin: germline. Affected: yes.
Comment: In silico analysis supports that this missense variant has a deleterious effect on protein structure/function; Not observed at significant frequency in large population cohorts (gnomAD); This variant is associated with the following publications: (PMID: 35599849)

Labcorp Genetics (formerly Invitae), Labcorp
Classification: Uncertain significance for Hypoplastic enamel-onycholysis-hypohidrosis syndrome. Last evaluated: 2022-07-13. Review status: criteria provided, single submitter. Criteria: Invitae Variant Classification Sherloc (09022015). Collection method: clinical testing. Allele origin: germline.
Comment: In summary, the available evidence is currently insufficient to determine the role of this variant in disease. Therefore, it has been classified as a Variant of Uncertain Significance. Algorithms developed to predict the effect of missense changes on protein structure and function (SIFT, PolyPhen-2, Align-GVGD) all suggest that this variant is likely to be disruptive. This variant has not been reported in the literature in individuals affected with MSX1-related conditions. This variant is not present in population databases (gnomAD no frequency). This sequence change replaces tryptophan, which is neutral and slightly polar, with arginine, which is basic and polar, at codon 219 of the MSX1 protein (p.Trp219Arg).

Center of Excellence in Precision Medicine and Digital Health (CEPMDH), Faculty of Dentistry, Chulalongkorn University
Classification: Likely pathogenic for Tooth agenesis, selective, 1. Review status: criteria provided, single submitter. Criteria: ACMG Guidelines, 2015. Collection method: clinical testing. Allele origin: germline. Inheritance: Autosomal dominant inheritance. Affected: yes. Observed: 2 variant alleles, 2 heterozygotes.
Comment: This variant was absent in population databases, including gnomAD, TOPMed, GenomeAsia, and an in-house database of Thai exomes. A change at the same amino acid position, p.Trp219Cys in MSX1, was previously reported in non-syndromic tooth agenesis patients (Keskin et al., 2021; PMID: 33725141). Based on ACMG Guidelines for variant interpretation and classification, the p.Trp219Arg variant was classified as likely pathogenic.